The following is an entry in ClinVar:

ClinVar aggregate classification (germline): Likely benign (1 of 4 stars; one submission).

Conditions:
Familial cancer of breast. Also called: hereditary breast carcinoma; BREAST CANCER, FAMILIAL; Hereditary breast cancer. Identifiers: Orphanet 227535, MedGen C0346153, MONDO:0016419, OMIM 114480. Disease mechanism: loss of function.

Submission:

Myriad Genetics, Inc.
Classification: Likely benign for Familial cancer of breast. Last evaluated: 2024-06-18. Review status: criteria provided, single submitter. Criteria: Myriad Autosomal Dominant, Autosomal Recessive and X-Linked Classification Criteria (2023). Collection method: clinical testing. Allele origin: unknown.
Comment: This variant is considered likely benign. This variant is intronic and is not expected to impact mRNA splicing.

NM_000051.4(ATM):c.8011-17G>C

Genes: ATM (ATM serine/threonine kinase; plus strand), C11orf65 (chromosome 11 open reading frame 65; minus strand). Cytogenetic location: 11q22.3.
Variant type: single nucleotide variant.
Coding change: c.8011-17G>C on transcript NM_000051.4 (MANE Select); 17 bases into the intron before coding-DNA position 8011, G replaced by C.
Molecular consequence: intron variant.
Genome position (GRCh38, 1-based): chr11:108,334,952, G>C. VCF-style: chr11-108334952-G-C. GRCh37 (hg19) VCF-style: chr11-108205679-G-C.
Other names: c.8011-17G>C (NM_001351834.2); c.641-25881C>G (NM_001330368.2); c.*38+268C>G (NM_001351110.2).
Identifiers: ClinVar variation 3254150 (VCV003254150.1), dbSNP rs2136650884.